The following is an entry in ClinVar:

ClinVar aggregate classification (germline): Uncertain significance. Review status: criteria provided, multiple submitters, no conflicts (2 of 4 stars). 2 submissions from 2 submitters: Uncertain significance (2). Last evaluated 2022-03-21.

Conditions:
Danon disease. Also called: Glycogen Storage Disease Type IIb; PSEUDOGLYCOGENOSIS II; GSD IIb; LYSOSOMAL GLYCOGEN STORAGE DISEASE WITHOUT ACID MALTASE DEFICIENCY; ANTOPOL DISEASE. Identifiers: Orphanet 34587, MedGen C0878677, MONDO:0010281, OMIM 300257.

Allele frequency attached by ClinVar (database versions not stated): gnomAD exomes below 0.00001.

Submissions (2):

Revvity Omics, Revvity
Classification: Uncertain significance for Danon disease. Last evaluated: 2022-03-21. Review status: criteria provided, single submitter. Criteria: ACMG Guidelines, 2015. Collection method: clinical testing. Allele origin: germline.

Labcorp Genetics (formerly Invitae), Labcorp
Classification: Uncertain significance for Danon disease. Last evaluated: 2020-01-16. Review status: criteria provided, single submitter. Criteria: Invitae Variant Classification Sherloc (09022015). Collection method: clinical testing. Allele origin: germline.
Comment: This variant is not present in population databases (ExAC no frequency). This variant has not been reported in the literature in individuals with LAMP2-related conditions. Algorithms developed to predict the effect of missense changes on protein structure and function are either unavailable or do not agree on the potential impact of this missense change (SIFT: "Tolerated"; PolyPhen-2: "Probably Damaging"; Align-GVGD: "Class C0"). In summary, the available evidence is currently insufficient to determine the role of this variant in disease. Therefore, it has been classified as a Variant of Uncertain Significance. This sequence change replaces arginine with cysteine at codon 5 of the LAMP2 protein (p.Arg5Cys). The arginine residue is weakly conserved and there is a large physicochemical difference between arginine and cysteine.

NM_002294.3(LAMP2):c.13C>T (p.Arg5Cys)

Gene: LAMP2 (lysosome associated membrane protein 2; minus strand). Cytogenetic location: Xq24.
Variant type: single nucleotide variant.
Coding change: c.13C>T on transcript NM_002294.3 (MANE Select); coding-DNA position 13, C replaced by T.
Protein change: p.Arg5Cys; replaces arginine 5 with cysteine.
Molecular consequence: missense variant.
Genome position (GRCh38, 1-based): chrX:120,469,157, G>A on the plus strand (C>T on the coding strand, the complement: LAMP2 is on the minus strand). VCF-style: chrX-120469157-G-A. GRCh37 (hg19) VCF-style: chrX-119603012-G-A.
Other names: c.13C>T, p.Arg5Cys (NM_001122606.1, NM_013995.2); short protein forms R5C.
Identifiers: ClinVar variation 1052750 (VCV001052750.13), dbSNP rs2147294900, ClinGen allele CA414398067.